The following is an entry in ClinVar:

ClinVar aggregate classification (germline): Pathogenic. Review status: criteria provided, multiple submitters, no conflicts (2 of 4 stars). 6 submissions from 6 submitters: Pathogenic (5). 1 of the submissions does not count toward it. Last evaluated 2025-03-17.

Conditions:
Retinal dystrophy. Also called: Inherited retinal dystrophy. Identifiers: Orphanet 71862, MedGen C0854723, MeSH D058499, MONDO:0019118, HP:0000556.
RS1-related disorder. Also called: RS1-related condition.
Juvenile retinoschisis (RS1). Also called: X-Linked Juvenile Retinoschisis; X-linked retinoschisis. Identifiers: Orphanet 792, MedGen C3714753, MONDO:0010725, OMIM 312700.

Submissions (6):

Labcorp Genetics (formerly Invitae), Labcorp
Classification: Pathogenic. Last evaluated: 2025-03-17. Review status: criteria provided, single submitter. Criteria: Invitae Variant Classification Sherloc (09022015). Collection method: clinical testing. Allele origin: germline.
Comment: This sequence change results in a frameshift in the RS1 gene (p.Ile194Serfs*43). While this is not anticipated to result in nonsense mediated decay, it is expected to disrupt the last 31 amino acid(s) of the RS1 protein. This variant is not present in population databases (gnomAD no frequency). This variant has been observed in individuals with X-linked retinoschisis (PMID: 15932525, 23568735, 29851975; internal data). ClinVar contains an entry for this variant (Variation ID: 68076). Algorithms developed to predict the effect of variants on gene product structure and function are not available or were not evaluated for this variant. Experimental studies have shown that this variant affects RS1 function (PMID: 29851975). For these reasons, this variant has been classified as Pathogenic.

3billion
Classification: Pathogenic for Juvenile retinoschisis. Last evaluated: 2024-09-10. Review status: criteria provided, single submitter. Criteria: ACMG Guidelines, 2015. Collection method: clinical testing. Allele origin: germline. Affected: yes.
Comment: The variant is not observed in the gnomAD v4.0.0 dataset. Predicted Consequence/Location: Frameshift: predicted to result in a loss or disruption of normal protein function through protein truncation. Multiple pathogenic variants are reported in the predicted truncated region. Functional studies provide moderate evidence of the variant having a damaging effect on the gene or gene product (PMID: 29851975). The variant has been reported at least twice as pathogenic without evidence for the classification (ClinVar ID: VCV000068076 /PMID: 29851975). Therefore, this variant is classified as Pathogenic according to the recommendation of ACMG/AMP guideline.

Blueprint Genetics
Classification: Pathogenic for RS1-related disorders. Last evaluated: 2021-09-04. Review status: criteria provided, single submitter. Criteria: ACMG Guidelines, 2015. Collection method: clinical testing. Allele origin: germline. Affected: yes. Observed: 2 variant alleles.

Genome-Nilou Lab
Classification: Pathogenic for Juvenile retinoschisis. Last evaluated: 2021-06-10. Review status: criteria provided, single submitter. Criteria: ACMG Guidelines, 2015. Collection method: clinical testing. Allele origin: germline. Affected: no.

Institute of Human Genetics, Univ. Regensburg, Univ. Regensburg
Classification: Pathogenic for Retinal dystrophy. Last evaluated: 2009-01-01. Review status: criteria provided, single submitter. Criteria: ACMG Guidelines, 2015. Collection method: clinical testing. Allele origin: germline. Affected: yes.

SN ONGC Dept of Genetics and Molecular biology Vision Research Foundation
Classification: Uncertain significance. Review status: no assertion criteria provided. Collection method: not provided. Allele origin: germline. Not counted in ClinVar's aggregate classification.
Comment: central and peripheral schisis
ClinVar note: Converted during submission from unknown to Uncertain significance.

Literature cited by the submitters: PubMed 15932525 (cited by Labcorp Genetics (formerly Invitae), Labcorp); PubMed 23568735 (cited by Labcorp Genetics (formerly Invitae), Labcorp); PubMed 29851975 (cited by 3 submitters); PubMed 346243 (cited by Institute of Human Genetics, Univ. Regensburg, Univ. Regensburg).

NM_000330.4(RS1):c.579del (p.Ile194fs)

Genes: CDKL5 (cyclin dependent kinase like 5; plus strand), RS1 (retinoschisin 1; minus strand). Cytogenetic location: Xp22.13.
Variant type: Deletion.
Coding change: c.579del on transcript NM_000330.4 (MANE Select); coding-DNA position 579, one base deleted (C; older notation c.579delC).
Protein change: p.Ile194fs; shifts the reading frame from isoleucine 194.
Molecular consequence: frameshift variant. On other transcripts: intron variant (2).
Genome position (GRCh38, 1-based): chrX:18,642,100, G deleted on the plus strand (C on the coding strand, the reverse complement: RS1 is on the minus strand); the first of 6 consecutive G bases (chrX:18,642,100-18,642,105); deleting any one gives the same sequence. VCF-style (leftmost placement, unchanged base first): chrX-18642099-TG-T. GRCh37 (hg19) VCF-style: chrX-18660219-TG-T.
Other names: c.574delC, p.Ile194Serfs (NM_000330.3); c.2714-3902del (NM_003159.3, NM_001037343.2); c.579delC (NM_000330.3); short protein forms I194fs.
Identifiers: ClinVar variation 68076 (VCV000068076.20), dbSNP rs199469697, ClinGen allele CA218971.